The following is an entry in ClinVar:

NM_001567.4(INPPL1):c.2927C>A (p.Pro976Gln)

Gene: INPPL1 (inositol polyphosphate phosphatase like 1; plus strand). Cytogenetic location: 11q13.4.
Variant type: single nucleotide variant.
Coding change: c.2927C>A on transcript NM_001567.4 (MANE Select); coding-DNA position 2927, C replaced by A.
Protein change: p.Pro976Gln; replaces proline 976 with glutamine.
Molecular consequence: missense variant.
Genome position (GRCh38, 1-based): chr11:72,237,171, C>A. VCF-style: chr11-72237171-C-A. GRCh37 (hg19) VCF-style: chr11-71948215-C-A.
Other names: short protein forms P976Q.
Identifiers: ClinVar variation 1419958 (VCV001419958.5), dbSNP rs185990433, ClinGen allele CA6170527.
Genomic context (GRCh38, chr11:72,237,171, plus strand): 5'-CTTCCACACCCAGGTTGAAGCCAGAGGGAGCTCCTGAACCAGAAGGGGTGGCGGCCCCCC[C>A]ACCCAAGAACAGCTTCAATAACCCTGCCTACTACGTCCTTGAAGGGGTCCCGCACCAGCT-3'
Protein context (NP_001558.3, residues 966-986): APEPEGVAAP[Pro976Gln]PKNSFNNPAY

ClinVar aggregate classification (germline): Uncertain significance (1 of 4 stars; one submission).

Allele frequency attached by ClinVar (database versions not stated): gnomAD 0.00002 and 0.00003; 1000 Genomes Project 0.00040; 1000 Genomes Project 30x 0.00062.
gnomAD v4.1: 56 of 1,603,710 alleles (0.0035%); highest among the groups gnomAD compares: Admixed American, 0.06%; no homozygotes.

Submission:

Labcorp Genetics (formerly Invitae), Labcorp
Classification: Uncertain significance. Last evaluated: 2022-10-24. Review status: criteria provided, single submitter. Criteria: Invitae Variant Classification Sherloc (09022015). Collection method: clinical testing. Allele origin: germline.
Comment: This sequence change replaces proline, which is neutral and non-polar, with glutamine, which is neutral and polar, at codon 976 of the INPPL1 protein (p.Pro976Gln). This variant is present in population databases (rs185990433, gnomAD 0.08%). This variant has not been reported in the literature in individuals affected with INPPL1-related conditions. ClinVar contains an entry for this variant (Variation ID: 1419958). Algorithms developed to predict the effect of missense changes on protein structure and function (SIFT, PolyPhen-2, Align-GVGD) all suggest that this variant is likely to be tolerated. In summary, the available evidence is currently insufficient to determine the role of this variant in disease. Therefore, it has been classified as a Variant of Uncertain Significance.